The following is an entry in ClinVar:

NM_183357.3(ADCY5):c.2767G>A (p.Val923Met)

Gene: ADCY5 (adenylate cyclase 5; minus strand). Cytogenetic location: 3q21.1.
Variant type: single nucleotide variant.
Coding change: c.2767G>A on transcript NM_183357.3 (MANE Select); coding-DNA position 2767, G replaced by A.
Protein change: p.Val923Met; replaces valine 923 with methionine.
Molecular consequence: missense variant.
Genome position (GRCh38, 1-based): chr3:123,300,253, C>T on the plus strand (G>A on the coding strand, the complement: ADCY5 is on the minus strand). VCF-style: chr3-123300253-C-T. GRCh37 (hg19) VCF-style: chr3-123019100-C-T.
Other names: c.1717G>A, p.Val573Met (NM_001199642.1); c.2767G>A, p.Val923Met (NM_001378259.1); short protein forms V923M, V573M.
Identifiers: ClinVar variation 373792 (VCV000373792.1), dbSNP rs753460084, ClinGen allele CA2576991.

ClinVar aggregate classification (germline): Uncertain significance (1 of 4 stars; one submission).

Allele frequency attached by ClinVar (database versions not stated): gnomAD exomes 0.00003; ExAC 0.00001; TOPMed 0.00002; gnomAD 0.00001.
gnomAD v4.1: 17 of 1,613,530 alleles (0.0011%); highest among the groups gnomAD compares: Admixed American, 0.0083%; no homozygotes.

Submission:

GeneDx
Classification: Uncertain significance. Last evaluated: 2016-12-12. Review status: criteria provided, single submitter. Criteria: GeneDx Variant Classification (06012015). Collection method: clinical testing. Allele origin: germline. Affected: yes.
Comment: The V923M variant in the ADCY5 gene has not been reported previously as a pathogenic variant, nor as a benign variant, to our knowledge. The V923M variant was not observed in approximately 6,500 individuals of European and African American ancestry in the NHLBI Exome Sequencing Project, indicating it is not a common benign variant in these populations. The V923M variant is a conservative amino acid substitution, which is not likely to impact secondary protein structure as these residues share similar properties. This substitution occurs at a position that is conserved across species. In silico analysis is inconsistent in its predictions as to whether or not the variant is damaging to the protein structure/function. We interpret V923M as a variant of uncertain significance.